The following is an entry in ClinVar:

ClinVar aggregate classification (germline): Conflicting classifications of pathogenicity. Review status: criteria provided, conflicting classifications (1 of 4 stars). 2 submissions from 2 submitters: Uncertain significance (1); Likely benign (1). Last evaluated 2025-07-18.

Conditions:
Developmental and epileptic encephalopathy 94 (DEE94). Also called: Epileptic encephalopathy, childhood-onset; CHD2-Related Neurodevelopmental Disorders. Identifiers: Orphanet 1942, Orphanet 2382, MedGen C3809278, MONDO:0014150, OMIM 615369.

Allele frequency attached by ClinVar (database versions not stated): TOPMed below 0.00001; gnomAD 0.00001; gnomAD exomes 0.00001.
gnomAD v4.1: 11 of 1,611,360 alleles (0.00068%); highest among the groups gnomAD compares: Non-Finnish European, 0.00093%; no homozygotes.

Submissions (2):

Labcorp Genetics (formerly Invitae), Labcorp
Classification: Uncertain significance for Developmental and epileptic encephalopathy 94. Last evaluated: 2025-07-18. Review status: criteria provided, single submitter. Criteria: Invitae Variant Classification Sherloc (09022015). Collection method: clinical testing. Allele origin: germline.
Comment: This sequence change replaces arginine, which is basic and polar, with glycine, which is neutral and non-polar, at codon 183 of the CHD2 protein (p.Arg183Gly). This variant is not present in population databases (gnomAD no frequency). This variant has not been reported in the literature in individuals affected with CHD2-related conditions. ClinVar contains an entry for this variant (Variation ID: 944950). Invitae Evidence Modeling of protein sequence and biophysical properties (such as structural, functional, and spatial information, amino acid conservation, physicochemical variation, residue mobility, and thermodynamic stability) indicates that this missense variant is not expected to disrupt CHD2 protein function with a negative predictive value of 95%. In summary, the available evidence is currently insufficient to determine the role of this variant in disease. Therefore, it has been classified as a Variant of Uncertain Significance.

Laboratory of Genetics, Children's Clinical University Hospital Latvia
Classification: Likely benign. Last evaluated: 2025-02-16. Review status: criteria provided, single submitter. Criteria: ACMG Guidelines, 2015. Collection method: clinical testing. Allele origin: germline. Affected: yes.

NM_001271.4(CHD2):c.547A>G (p.Arg183Gly)

Gene: CHD2 (chromodomain helicase DNA binding protein 2; plus strand). Cytogenetic location: 15q26.1.
Variant type: single nucleotide variant.
Coding change: c.547A>G on transcript NM_001271.4 (MANE Select); coding-DNA position 547, A replaced by G.
Protein change: p.Arg183Gly; replaces arginine 183 with glycine.
Molecular consequence: missense variant.
Genome position (GRCh38, 1-based): chr15:92,937,621, A>G. VCF-style: chr15-92937621-A-G. GRCh37 (hg19) VCF-style: chr15-93480851-A-G.
Other names: c.547A>G, p.Arg183Gly (NM_001042572.3); short protein forms R183G.
Identifiers: ClinVar variation 944950 (VCV000944950.11), dbSNP rs1264879568, ClinGen allele CA393899948.